The following is an entry in ClinVar:

ClinVar aggregate classification (germline): Benign/Likely benign. Review status: criteria provided, multiple submitters, no conflicts (2 of 4 stars). 2 submissions from 2 submitters: Benign (1); Likely benign (1). Last evaluated 2018-06-16.

Conditions:
Acyl-CoA dehydrogenase 9 deficiency. Also called: Acyl-CoA dehydrogenase family, member 9, deficiency of; MITOCHONDRIAL COMPLEX I DEFICIENCY, NUCLEAR TYPE 20. Identifiers: Orphanet 99901, MedGen C4747517, MONDO:0012624, OMIM 611126.

Allele frequency attached by ClinVar (database versions not stated): gnomAD exomes 0.00254; ExAC 0.00399; gnomAD 0.00973 and 0.01039; TOPMed 0.01096; 1000 Genomes Project 0.01438; 1000 Genomes Project 30x 0.01515.
gnomAD v4.1: 2,009 of 521,490 alleles (0.39%); highest among the groups gnomAD compares: African/African-American, 3.4%; 25 homozygotes.

Submissions (2):

GeneDx
Classification: Likely benign. Last evaluated: 2018-06-16. Review status: criteria provided, single submitter. Criteria: GeneDx Variant Classification Process June 2021. Collection method: clinical testing. Allele origin: germline. Affected: yes.

Illumina Laboratory Services, Illumina
Classification: Benign for Acyl-CoA dehydrogenase 9 deficiency. Last evaluated: 2018-01-13. Review status: criteria provided, single submitter. Criteria: ICSL Variant Classification Criteria 13 December 2019. Collection method: clinical testing. Allele origin: germline.
Comment: This variant was observed in the ICSL laboratory as part of a predisposition screen in an ostensibly healthy population. It had not been previously curated by ICSL or reported in the Human Gene Mutation Database (HGMD: prior to June 1st, 2018), and was therefore a candidate for classification through an automated scoring system. Utilizing variant allele frequency, disease prevalence and penetrance estimates, and inheritance mode, an automated score was calculated to assess if this variant is too frequent to cause the disease. Based on the score and internal cut-off values, a variant classified as benign is not then subjected to further curation. The score for this variant resulted in a classification of benign for this disease.

NM_014049.5(ACAD9):c.*331T>G

Genes: CFAP92 (cilia and flagella associated protein 92 (putative); minus strand), ACAD9 (acyl-CoA dehydrogenase family member 9; plus strand). Cytogenetic location: 3q21.3.
Variant type: single nucleotide variant.
Coding change: c.*331T>G on transcript NM_014049.5 (MANE Select); 331 bases downstream of the stop codon, T replaced by G.
Molecular consequence: 3 prime UTR variant. On other transcripts: non-coding transcript variant (1), intron variant (3).
Genome position (GRCh38, 1-based): chr3:128,912,938, T>G. VCF-style: chr3-128912938-T-G. GRCh37 (hg19) VCF-style: chr3-128631781-T-G.
Other names: c.*331T>G (NM_001410805.1); c.2311+2181A>C (NM_001348521.2); c.2407+2181A>C (NM_001348520.2); c.3280+2181A>C (NM_001394090.1).
Identifiers: ClinVar variation 343213 (VCV000343213.8), dbSNP rs114763241, ClinGen allele CA2601825.